The following is an entry in ClinVar:

ClinVar aggregate classification (germline): Uncertain significance (1 of 4 stars; one submission).

Conditions:
Familial sleep-related hypermotor epilepsy. Also called: Autosomal Dominant Sleep-Related Hypermotor (Hyperkinetic) Epilepsy. Identifiers: Orphanet 98784, MedGen C3696898, MONDO:0000030.

Allele frequency attached by ClinVar (database versions not stated): gnomAD exomes below 0.00001; TOPMed 0.00001; ESP Exome Variant Server 0.00015.
gnomAD v4.1: 2 of 1,614,020 alleles (0.00012%); highest among the groups gnomAD compares: Non-Finnish European, 0.00017%; no homozygotes.

Submission:

Labcorp Genetics (formerly Invitae), Labcorp
Classification: Uncertain significance for Familial sleep-related hypermotor epilepsy. Last evaluated: 2021-11-11. Review status: criteria provided, single submitter. Criteria: Invitae Variant Classification Sherloc (09022015). Collection method: clinical testing. Allele origin: germline.
Comment: This sequence change falls in intron 4 of the PRIMA1 gene. It does not directly change the encoded amino acid sequence of the PRIMA1 protein. It affects a nucleotide within the consensus splice site. This variant is not present in population databases (gnomAD no frequency). This variant has not been reported in the literature in individuals affected with PRIMA1-related conditions. Variants that disrupt the consensus splice site are a relatively common cause of aberrant splicing (PMID: 17576681, 9536098). Algorithms developed to predict the effect of sequence changes on RNA splicing suggest that this variant may disrupt the consensus splice site. In summary, the available evidence is currently insufficient to determine the role of this variant in disease. Therefore, it has been classified as a Variant of Uncertain Significance.

Literature cited by the submitters: PubMed 17576681; PubMed 9536098.

NM_178013.4(PRIMA1):c.359+6T>A

Gene: PRIMA1 (proline rich membrane anchor 1; minus strand). Cytogenetic location: 14q32.12.
Variant type: single nucleotide variant.
Coding change: c.359+6T>A on transcript NM_178013.4 (MANE Select); 6 bases into the intron after coding-DNA position 359, T replaced by A.
Molecular consequence: intron variant.
Genome position (GRCh38, 1-based): chr14:93,737,235, A>T on the plus strand (T>A on the coding strand, the complement: PRIMA1 is on the minus strand). VCF-style: chr14-93737235-A-T. GRCh37 (hg19) VCF-style: chr14-94203581-A-T.
Identifiers: ClinVar variation 1415717 (VCV001415717.3), dbSNP rs371216163, ClinGen allele CA265804445.